The following is an entry in ClinVar:

ClinVar aggregate classification (germline): Likely benign (1 of 4 stars; one submission).

gnomAD v4.1: 1 of 1,614,158 alleles (0.000062%); highest among the groups gnomAD compares: East Asian, 0.0022%; no homozygotes.

Submission:

CeGaT Center for Human Genetics Tuebingen
Classification: Likely benign. Last evaluated: 2025-07-01. Review status: criteria provided, single submitter. Criteria: CeGaT Center For Human Genetics Tuebingen Variant Classification Criteria Version 2. Collection method: clinical testing. Allele origin: germline. Affected: yes. Observed: 1 variant allele.
Comment: MACF1: BP4, BP7

NM_001394062.1(MACF1):c.3039G>A (p.Leu1013=)

Gene: MACF1 (microtubule actin crosslinking factor 1; plus strand). Cytogenetic location: 1p34.3.
Variant type: single nucleotide variant.
Coding change: c.3039G>A on transcript NM_001394062.1 (MANE Select); coding-DNA position 3039, G replaced by A.
Protein change: p.Leu1013=; no amino-acid change (leucine 1013 retained).
Molecular consequence: synonymous variant.
Genome position (GRCh38, 1-based): chr1:39,310,367, G>A. VCF-style: chr1-39310367-G-A. GRCh37 (hg19) VCF-style: chr1-39776039-G-A.
Other names: c.3054G>A, p.Leu1018= (NM_012090.5).
Identifiers: ClinVar variation 4084405 (VCV004084405.8).
Genomic context (GRCh38, chr1:39,310,367, plus strand): 5'-AGACTTTCTGCAGGATAGTCGTGACTCTGTGCTGTTCTCAGTGGCTGATCGCTTGCGCTT[G>A]GAAGAGGAGGTGGAAGCTTGTAAAGCCCGCTTCCAGCACCTGATGAAGTCCATGGAGAAT-3'
Protein context (NP_001380991.1, residues 1003-1023): VLFSVADRLR[Leu1013=]EEEVEACKAR